The following is an entry in ClinVar:

NM_000322.5(PRPH2):c.780C>G (p.Ser260Arg)

Gene: PRPH2 (peripherin 2; minus strand). Cytogenetic location: 6p21.1.
Variant type: single nucleotide variant.
Coding change: c.780C>G on transcript NM_000322.5 (MANE Select); coding-DNA position 780, C replaced by G.
Protein change: p.Ser260Arg; replaces serine 260 with arginine.
Molecular consequence: missense variant.
Genome position (GRCh38, 1-based): chr6:42,704,413, G>C on the plus strand (C>G on the coding strand, the complement: PRPH2 is on the minus strand). VCF-style: chr6-42704413-G-C. GRCh37 (hg19) VCF-style: chr6-42672151-G-C.
Other names: short protein forms S260R.
Identifiers: ClinVar variation 4801343 (VCV004801343.1).

ClinVar aggregate classification (germline): Uncertain significance (1 of 4 stars; one submission).

Conditions:
PRPH2-related disorder. Also called: PRPH2-related disorders; PRPH2-related condition. Identifiers: MedGen CN239395.

Submission:

Labcorp Genetics (formerly Invitae), Labcorp
Classification: Uncertain significance for PRPH2-related disorder. Last evaluated: 2025-10-14. Review status: criteria provided, single submitter. Criteria: Invitae Variant Classification Sherloc (09022015). Collection method: clinical testing. Allele origin: germline.
Comment: This sequence change replaces serine, which is neutral and polar, with arginine, which is basic and polar, at codon 260 of the PRPH2 protein (p.Ser260Arg). This variant is not present in population databases (gnomAD no frequency). This missense change has been observed in individual(s) with clinical features of PRPH2-related conditions (internal data). Invitae Evidence Modeling of protein sequence and biophysical properties (such as structural, functional, and spatial information, amino acid conservation, physicochemical variation, residue mobility, and thermodynamic stability) has been performed for this missense variant. However, the output from this modeling did not meet the statistical confidence thresholds required to predict the impact of this variant on PRPH2 protein function. In summary, the available evidence is currently insufficient to determine the role of this variant in disease. Therefore, it has been classified as a Variant of Uncertain Significance.